The following is an entry in ClinVar:

NM_001267550.2(TTN):c.48500G>C (p.Arg16167Pro)

Genes: TTN-AS1 (TTN antisense RNA 1; plus strand), TTN (titin; minus strand). Cytogenetic location: 2q31.2.
Variant type: single nucleotide variant.
Coding change: c.48500G>C on transcript NM_001267550.2 (MANE Select); coding-DNA position 48500, G replaced by C.
Protein change: p.Arg16167Pro; replaces arginine 16167 with proline.
Molecular consequence: missense variant.
Genome position (GRCh38, 1-based): chr2:178,615,445, C>G on the plus strand (G>C on the coding strand, the complement: TTN is on the minus strand). VCF-style: chr2-178615445-C-G. GRCh37 (hg19) VCF-style: chr2-179480172-C-G.
Other names: p.R14526P:CGA>CCA; c.43577G>C, p.Arg14526Pro (NM_001256850.1); c.21305G>C, p.Arg7102Pro (NM_003319.4); c.40796G>C, p.Arg13599Pro (NM_133378.4); c.21680G>C, p.Arg7227Pro (NM_133432.3); c.21881G>C, p.Arg7294Pro (NM_133437.4); short protein forms R14526P, R16167P, R13599P, R7102P, R7294P, R7227P.
Identifiers: ClinVar variation 202666 (VCV000202666.2), dbSNP rs778774812, ClinGen allele CA309920.

ClinVar aggregate classification (germline): Uncertain significance (1 of 4 stars; one submission).

Submission:

GeneDx
Classification: Uncertain significance. Last evaluated: 2013-05-07. Review status: criteria provided, single submitter. Criteria: GeneDx Variant Classification (06012015). Collection method: clinical testing. Allele origin: germline. Affected: yes.
Comment: Missense variants in the TTN gene are considered 'unclassified' if they are not previously reported in the literature and do not have >1% frequency in the population to be considered a polymorphism. Research indicates that truncating mutations in the TTN gene are expected to account for approximately 25% of familial and 18% of sporadic idiopathic DCM; however, truncating variants in the TTN gene have been reported in approximately 3% of reported control alleles. There has been little investigation into non-truncating variants. (Herman D et al. Truncations of titin causing dilated cardiomyopathy. N Eng J Med 366:619-628, 2012) The variant is found in DCM panel(s).